The following is an entry in ClinVar:

ClinVar aggregate classification (germline): Uncertain significance. Review status: criteria provided, multiple submitters, no conflicts (2 of 4 stars). 2 submissions from 2 submitters: Uncertain significance (2). Last evaluated 2024-12-02.

Conditions:
Developmental and epileptic encephalopathy, 77. Also called: GLYCOSYLPHOSPHATIDYLINOSITOL BIOSYNTHESIS DEFECT 19; MULTIPLE CONGENITAL ANOMALIES-HYPOTONIA-SEIZURES SYNDROME 4; EPILEPTIC ENCEPHALOPATHY, EARLY INFANTILE, 77. Identifiers: MedGen C5231405, MONDO:0032808, OMIM 618548.
Epilepsy. Also called: Seizure disorder. Identifiers: MedGen C0014544, MeSH D004827, MONDO:0005027.

Allele frequency attached by ClinVar (database versions not stated): TOPMed 0.00003; gnomAD 0.00001.

Submissions (2):

Labcorp Genetics (formerly Invitae), Labcorp
Classification: Uncertain significance for Epilepsy. Last evaluated: 2024-12-02. Review status: criteria provided, single submitter. Criteria: Invitae Variant Classification Sherloc (09022015). Collection method: clinical testing. Allele origin: germline.
Comment: This sequence change replaces threonine, which is neutral and polar, with methionine, which is neutral and non-polar, at codon 168 of the PIGQ protein (p.Thr168Met). This variant is present in population databases (rs771796362, gnomAD 0.02%). This variant has not been reported in the literature in individuals affected with PIGQ-related conditions. ClinVar contains an entry for this variant (Variation ID: 1063676). An algorithm developed to predict the effect of missense changes on protein structure and function (PolyPhen-2) suggests that this variant is likely to be disruptive. In summary, the available evidence is currently insufficient to determine the role of this variant in disease. Therefore, it has been classified as a Variant of Uncertain Significance.

Center for Genomics, Ann and Robert H. Lurie Children's Hospital of Chicago
Classification: Uncertain significance for Developmental and epileptic encephalopathy, 77. Last evaluated: 2022-03-30. Review status: criteria provided, single submitter. Criteria: ACMG Guidelines, 2015. Collection method: clinical testing. Allele origin: germline.
Comment: This variant has not been reported in the literature but is present in 0.02% (6/28622) of South Asian alleles in the Genome Aggregation Database. This variant is present in ClinVar (Variation ID:1063676). Evolutionary conservation suggests that this variant may not impact the protein; computational predictive tools suggest that this variant may impact the protein. In summary, data on this variant is insufficient for disease classification. Therefore, the clinical significance of this variant is uncertain.

NM_004204.5(PIGQ):c.503C>T (p.Thr168Met)

Gene: PIGQ (phosphatidylinositol glycan anchor biosynthesis class Q; plus strand). Cytogenetic location: 16p13.3.
Variant type: single nucleotide variant.
Coding change: c.503C>T on transcript NM_004204.5 (MANE Select); coding-DNA position 503, C replaced by T.
Protein change: p.Thr168Met; replaces threonine 168 with methionine.
Molecular consequence: missense variant.
Genome position (GRCh38, 1-based): chr16:574,577, C>T. VCF-style: chr16-574577-C-T. GRCh37 (hg19) VCF-style: chr16-624577-C-T.
Other names: c.503C>T, p.Thr168Met (NM_148920.4); short protein forms T168M.
Identifiers: ClinVar variation 1063676 (VCV001063676.7), dbSNP rs771796362, ClinGen allele CA7779891.
Genomic context (GRCh38, chr16:574,577, plus strand): 5'-CCGACCGCCAGGCTGGAGCCACCACTGCCAGCACGGGGGGCCTGGCTGCCGTCTTCGACA[C>T]GGTAGCACGCAGTGAGGTGCTCTTCCGCAGTGACCGCTTTGATGAGGGCCCCGTGCGGCT-3'
Protein context (NP_004195.2, residues 158-178): STGGLAAVFD[Thr168Met]VARSEVLFRS